The following is an entry in ClinVar:

NM_004341.5(CAD):c.6247C>T (p.His2083Tyr)

Genes: CAD (carbamoyl-phosphate synthetase 2, aspartate transcarbamylase, and dihydroorotase; plus strand), LOC126806172 (CDK7 strongly-dependent group 2 enhancer GRCh37_chr2:27465505-27466704; plus strand). Cytogenetic location: 2p23.3.
Variant type: single nucleotide variant.
Coding change: c.6247C>T on transcript NM_004341.5 (MANE Select); coding-DNA position 6247, C replaced by T.
Protein change: p.His2083Tyr; replaces histidine 2083 with tyrosine.
Molecular consequence: missense variant.
Genome position (GRCh38, 1-based): chr2:27,242,644, C>T. VCF-style: chr2-27242644-C-T. GRCh37 (hg19) VCF-style: chr2-27465512-C-T.
Other names: c.6058C>T, p.His2020Tyr (NM_001306079.2); short protein forms H2083Y, H2020Y.
Identifiers: ClinVar variation 1367021 (VCV001367021.5), dbSNP rs2148100018, ClinGen allele CA346224643.
Genomic context (GRCh38, chr2:27,242,644, plus strand): 5'-TCTGGGATCCCTGTGGTGACTGGATTCCTCTCCTAGATCACGATGGTGGGTGACCTGAAG[C>T]ACGGACGCACAGTACATTCCCTGGCCTGCCTGCTCACCCAGTATCGTGTCAGCCTGCGCT-3'
Protein context (NP_004332.2, residues 2073-2093): MTITMVGDLK[His2083Tyr]GRTVHSLACL

ClinVar aggregate classification (germline): Uncertain significance (1 of 4 stars; one submission).

Submission:

Labcorp Genetics (formerly Invitae), Labcorp
Classification: Uncertain significance. Last evaluated: 2022-07-26. Review status: criteria provided, single submitter. Criteria: Invitae Variant Classification Sherloc (09022015). Collection method: clinical testing. Allele origin: germline.
Comment: This sequence change replaces histidine, which is basic and polar, with tyrosine, which is neutral and polar, at codon 2083 of the CAD protein (p.His2083Tyr). This variant is not present in population databases (gnomAD no frequency). This variant has not been reported in the literature in individuals affected with CAD-related conditions. ClinVar contains an entry for this variant (Variation ID: 1367021). Algorithms developed to predict the effect of missense changes on protein structure and function are either unavailable or do not agree on the potential impact of this missense change (SIFT: "Deleterious"; PolyPhen-2: "Probably Damaging"; Align-GVGD: "Class C15"). Algorithms developed to predict the effect of sequence changes on RNA splicing suggest that this variant may create or strengthen a splice site. In summary, the available evidence is currently insufficient to determine the role of this variant in disease. Therefore, it has been classified as a Variant of Uncertain Significance.